The following is an entry in ClinVar:

ClinVar aggregate classification (germline): Uncertain significance (1 of 4 stars; one submission).

Conditions:
Ullrich congenital muscular dystrophy 2 (UCMD2). Identifiers: Orphanet 75840, MedGen C4225314, MONDO:0014654, OMIM 616470.
Bethlem myopathy 2 (BTHLM2). Identifiers: Orphanet 536516, Orphanet 610, MedGen C4225313, MONDO:0034022, OMIM 616471.

Submission:

Labcorp Genetics (formerly Invitae), Labcorp
Classification: Uncertain significance for Bethlem myopathy 2; Ullrich congenital muscular dystrophy 2. Last evaluated: 2026-01-18. Review status: criteria provided, single submitter. Criteria: Invitae Variant Classification Sherloc (09022015). Collection method: clinical testing. Allele origin: germline.
Comment: This sequence change replaces aspartic acid, which is acidic and polar, with alanine, which is neutral and non-polar, at codon 2601 of the COL12A1 protein (p.Asp2601Ala). This variant is not present in population databases (gnomAD no frequency). This variant has not been reported in the literature in individuals affected with COL12A1-related conditions. Invitae Evidence Modeling of protein sequence and biophysical properties (such as structural, functional, and spatial information, amino acid conservation, physicochemical variation, residue mobility, and thermodynamic stability) indicates that this missense variant is not expected to disrupt COL12A1 protein function with a negative predictive value of 80%. In summary, the available evidence is currently insufficient to determine the role of this variant in disease. Therefore, it has been classified as a Variant of Uncertain Significance.

NM_004370.6(COL12A1):c.7802A>C (p.Asp2601Ala)

Gene: COL12A1 (collagen type XII alpha 1 chain; minus strand). Cytogenetic location: 6q13.
Variant type: single nucleotide variant.
Coding change: c.7802A>C on transcript NM_004370.6 (MANE Select); coding-DNA position 7802, A replaced by C.
Protein change: p.Asp2601Ala; replaces aspartic acid 2601 with alanine.
Molecular consequence: missense variant.
Genome position (GRCh38, 1-based): chr6:75,113,640, T>G on the plus strand (A>C on the coding strand, the complement: COL12A1 is on the minus strand). VCF-style: chr6-75113640-T-G. GRCh37 (hg19) VCF-style: chr6-75823356-T-G.
Other names: c.7802A>C, p.Asp2601Ala (NM_001424113.1); c.7781A>C, p.Asp2594Ala (NM_001424114.1); c.7529A>C, p.Asp2510Ala (NM_001424115.1); c.4310A>C, p.Asp1437Ala (NM_001424116.1, NM_080645.3); short protein forms D2594A, D1437A, D2510A, D2601A.
Identifiers: ClinVar variation 4782666 (VCV004782666.1).